The following is an entry in ClinVar:

ClinVar aggregate classification (germline): Pathogenic (1 of 4 stars; one submission).

gnomAD v4.1: 2 of 1,614,194 alleles (0.00012%); highest among the groups gnomAD compares: Non-Finnish European, 0.00017%; no homozygotes.

Submission:

Labcorp Genetics (formerly Invitae), Labcorp
Classification: Pathogenic. Last evaluated: 2023-02-06. Review status: criteria provided, single submitter. Criteria: Invitae Variant Classification Sherloc (09022015). Collection method: clinical testing. Allele origin: germline.
Comment: For these reasons, this variant has been classified as Pathogenic. This variant is also known as p.Glu46X. This premature translational stop signal has been observed in individual(s) with geroderma osteodysplastica (PMID: 18997784). This variant is not present in population databases (gnomAD no frequency). This sequence change creates a premature translational stop signal (p.Glu71*) in the GORAB gene. It is expected to result in an absent or disrupted protein product. Loss-of-function variants in GORAB are known to be pathogenic (PMID: 18997784, 19681135).

Literature cited by the submitters: PubMed 18997784; PubMed 19681135.

NM_152281.3(GORAB):c.136G>T (p.Glu46Ter)

Gene: GORAB (golgin, RAB6 interacting; plus strand). Cytogenetic location: 1q24.2.
Variant type: single nucleotide variant.
Coding change: c.136G>T on transcript NM_152281.3 (MANE Select); coding-DNA position 136, G replaced by T.
Protein change: p.Glu46Ter; replaces glutamic acid 46 with a stop codon.
Molecular consequence: nonsense. On other transcripts: 5 prime UTR variant (1), non-coding transcript variant (1).
Genome position (GRCh38, 1-based): chr1:170,539,284, G>T. VCF-style: chr1-170539284-G-T. GRCh37 (hg19) VCF-style: chr1-170508425-G-T.
Other names: c.136G>T, p.Glu46Ter (NM_001146039.2); c.-330G>T (NM_001320252.2); c.85G>T, p.Glu29Ter (NM_001410894.1); short protein forms E29*, E46*.
Identifiers: ClinVar variation 2734027 (VCV002734027.3), dbSNP rs1302735956, ClinGen allele CA343161929.
Genomic context (GRCh38, chr1:170,539,284, plus strand): 5'-CAGCGACGTCTCCCCGCGAAGAAAAGTCGACAACAACTTCAGCGAGAAAAAGCCCTTGTA[G>T]AGCAAAGCCAAAAACTTGGGCTTCAAGATGGATCAACCTCATTACTTCCAGAGCAGCTGC-3'